The following is an entry in ClinVar:

NM_015450.3(POT1):c.1257T>C (p.Tyr419=)

Gene: POT1 (protection of telomeres 1; minus strand). Cytogenetic location: 7q31.33.
Variant type: single nucleotide variant.
Coding change: c.1257T>C on transcript NM_015450.3 (MANE Select); coding-DNA position 1257, T replaced by C.
Protein change: p.Tyr419=; no amino-acid change (tyrosine 419 retained).
Molecular consequence: synonymous variant. On other transcripts: non-coding transcript variant (3).
Genome position (GRCh38, 1-based): chr7:124,841,085, A>G on the plus strand (T>C on the coding strand, the complement: POT1 is on the minus strand). VCF-style: chr7-124841085-A-G. GRCh37 (hg19) VCF-style: chr7-124481139-A-G.
Other names: c.864T>C, p.Tyr288= (NM_001042594.2).
Identifiers: ClinVar variation 818723 (VCV000818723.13), dbSNP rs1584757255, ClinGen allele CA457482831.

ClinVar aggregate classification (germline): Conflicting classifications of pathogenicity. Review status: criteria provided, conflicting classifications (1 of 4 stars). 3 submissions from 3 submitters: Uncertain significance (1); Likely benign (2). Last evaluated 2022-11-17.

Conditions:
Tumor predisposition syndrome 3 (TPDS3). Also called: Glioma susceptibility 9; LONG TELOMERE SYNDROME, POT1-RELATED; POT1 Tumor Predisposition; Melanoma, cutaneous malignant, susceptibility to, 10. Identifiers: Orphanet 618, MedGen C4014476, MONDO:0014368, OMIM 615848.
Hereditary cancer-predisposing syndrome. Also called: Tumor predisposition; Hereditary Cancer Syndrome; Hereditary neoplastic syndrome; Neoplastic Syndromes, Hereditary. Identifiers: Orphanet 140162, MedGen C0027672, MeSH D009386, MONDO:0015356.

Allele frequency attached by ClinVar (database versions not stated): TOPMed 0.00002.

Submissions (3):

GeneDx
Classification: Uncertain significance. Last evaluated: 2022-11-17. Review status: criteria provided, single submitter. Criteria: GeneDx Variant Classification Process June 2021. Collection method: clinical testing. Allele origin: germline. Affected: yes.
Comment: Not observed at significant frequency in large population cohorts (gnomAD); In silico analysis supports that this variant does not alter splicing; Has not been previously published as pathogenic or benign to our knowledge

Labcorp Genetics (formerly Invitae), Labcorp
Classification: Likely benign for Tumor predisposition syndrome 3. Last evaluated: 2022-10-24. Review status: criteria provided, single submitter. Criteria: Invitae Variant Classification Sherloc (09022015). Collection method: clinical testing. Allele origin: germline.

Ambry Genetics
Classification: Likely benign for Hereditary cancer-predisposing syndrome. Last evaluated: 2019-07-26. Review status: criteria provided, single submitter. Criteria: Ambry Variant Classification Scheme 2023. Collection method: clinical testing. Allele origin: germline.